The following is an entry in ClinVar:

ClinVar aggregate classification (germline): Uncertain significance (1 of 4 stars; one submission).

gnomAD v4.1: 8 of 1,613,032 alleles (0.0005%); highest among the groups gnomAD compares: Non-Finnish European, 0.00068%; no homozygotes.

Submission:

Ambry Genetics
Classification: Uncertain significance. Last evaluated: 2026-06-03. Review status: criteria provided, single submitter. Criteria: Ambry Variant Classification Scheme 2023. Collection method: clinical testing. Allele origin: germline.
Comment: The c.1894T>C (p.S632P) alteration is located in exon 17 (coding exon 15) of the EZH1 gene. This alteration results from a T to C substitution at nucleotide position 1894, causing the serine (S) at amino acid position 632 to be replaced by a proline (P). Based on data from gnomAD, the C allele has an overall frequency of 0.003% (1/31294) total alleles studied. The highest observed frequency was 0.007% (1/15374) of European (non-Finnish) alleles. Based on insufficient or conflicting evidence, the clinical significance of this alteration remains unclear.

NM_001991.5(EZH1):c.1894T>C (p.Ser632Pro)

Genes: EZH1 (enhancer of zeste 1 polycomb repressive complex 2 subunit; minus strand), LOC128669078 (EZH1 +39 kb lymphoid enhancer; plus strand). Cytogenetic location: 17q21.2.
Variant type: single nucleotide variant.
Coding change: c.1894T>C on transcript NM_001991.5 (MANE Select); coding-DNA position 1894, T replaced by C.
Protein change: p.Ser632Pro; replaces serine 632 with proline.
Molecular consequence: missense variant.
Genome position (GRCh38, 1-based): chr17:42,705,129, A>G on the plus strand (T>C on the coding strand, the complement: EZH1 is on the minus strand). VCF-style: chr17-42705129-A-G. GRCh37 (hg19) VCF-style: chr17-40857147-A-G.
Other names: c.1912T>C, p.Ser638Pro (NM_001321079.2); c.1867T>C, p.Ser623Pro (NM_001321081.2); c.1774T>C, p.Ser592Pro (NM_001321082.2); short protein forms S592P, S623P, S632P, S638P.
Identifiers: ClinVar variation 4870735 (VCV004870735.1).